The following is an entry in ClinVar:

ClinVar aggregate classification (germline): Uncertain significance. Review status: criteria provided, multiple submitters, no conflicts (2 of 4 stars). 4 submissions from 4 submitters: Uncertain significance (4). Last evaluated 2025-06-12.

Conditions:
Wilson disease (WND). Also called: Wilson's disease. Identifiers: Orphanet 905, MedGen C0019202, MONDO:0010200, OMIM 277900. Disease mechanism: loss of function.

Allele frequency attached by ClinVar (database versions not stated): gnomAD exomes below 0.00001.
gnomAD v4.1: 2 of 1,614,280 alleles (0.00012%); highest among the groups gnomAD compares: Non-Finnish European, 0.00017%; no homozygotes.

Submissions (4):

Color Diagnostics, LLC DBA Color Health
Classification: Uncertain significance for Wilson disease. Last evaluated: 2025-06-12. Review status: criteria provided, single submitter. Criteria: ACMG Guidelines, 2015. Collection method: clinical testing. Allele origin: germline.
Comment: This missense variant replaces lysine with methionine at codon 1251 of the ATP7B protein. Computational prediction suggests that this variant may have deleterious impact on protein structure and function. This variant alters a conserved lysine residue in the P domain of the ATP7B protein (a.a. 1004 - 1031a.a. 1197 - 1306), a highly conserved region that is considered to be important for ATP7B protein function (PMID: 35245129ClinVar). To our knowledge, functional studies have not been reported for this variant. This variant has not been reported in individuals affected with ATP7B-related disorders in the literature. This variant has not been identified in the general population by the Genome Aggregation Database (gnomAD). The available evidence is insufficient to determine the role of this variant in disease conclusively. Therefore, this variant is classified as a Variant of Uncertain Significance.

All of Us Research Program, National Institutes of Health
Classification: Uncertain significance for Wilson disease. Last evaluated: 2024-09-17. Review status: criteria provided, single submitter. Criteria: ACMG Guidelines, 2015. Collection method: clinical testing. Allele origin: germline. Inheritance: Autosomal recessive inheritance. Observed: 4 variant alleles, 4 heterozygotes.
Comment: This missense variant replaces lysine with methionine at codon 1251 of the ATP7B protein. Computational prediction suggests that this variant may have deleterious impact on protein structure and function (internally defined REVEL score threshold >= 0.7, PMID: 27666373). To our knowledge, functional studies have not been reported for this variant. This variant has not been reported in individuals affected with ATP7B-related disorders in the literature. This variant has not been identified in the general population by the Genome Aggregation Database (gnomAD). The available evidence is insufficient to determine the role of this variant in disease conclusively. Therefore, this variant is classified as a Variant of Uncertain Significance.

This study involves interpretation of variants in research participants for the purpose of population health screening. Participant phenotype was not available at the time of variant classification. Additional details can be found in publication PMID: 35346344, PMCID: PMC8962531

GeneDx
Classification: Uncertain significance. Last evaluated: 2024-08-15. Review status: criteria provided, single submitter. Criteria: GeneDx Variant Classification Process June 2021. Collection method: clinical testing. Allele origin: germline. Affected: yes.
Comment: Not observed at significant frequency in large population cohorts (gnomAD); In silico analysis supports that this missense variant has a deleterious effect on protein structure/function; Has not been previously published as pathogenic or benign to our knowledge

Labcorp Genetics (formerly Invitae), Labcorp
Classification: Uncertain significance for Wilson disease. Last evaluated: 2021-08-14. Review status: criteria provided, single submitter. Criteria: Invitae Variant Classification Sherloc (09022015). Collection method: clinical testing. Allele origin: germline.
Comment: This sequence change replaces lysine with methionine at codon 1251 of the ATP7B protein (p.Lys1251Met). The lysine residue is highly conserved and there is a moderate physicochemical difference between lysine and methionine. This variant is not present in population databases (ExAC no frequency). This variant has not been reported in the literature in individuals affected with ATP7B-related conditions. Advanced modeling of protein sequence and biophysical properties (such as structural, functional, and spatial information, amino acid conservation, physicochemical variation, residue mobility, and thermodynamic stability) performed at Invitae indicates that this missense variant is expected to disrupt ATP7B protein function. In summary, the available evidence is currently insufficient to determine the role of this variant in disease. Therefore, it has been classified as a Variant of Uncertain Significance.

Literature cited by the submitters: PubMed 35245129 (cited by Color Diagnostics, LLC DBA Color Health).

NM_000053.4(ATP7B):c.3752A>T (p.Lys1251Met)

Gene: ATP7B (ATPase copper transporting beta; minus strand). Cytogenetic location: 13q14.3.
Variant type: single nucleotide variant.
Coding change: c.3752A>T on transcript NM_000053.4 (MANE Select); coding-DNA position 3752, A replaced by T.
Protein change: p.Lys1251Met; replaces lysine 1251 with methionine.
Molecular consequence: missense variant.
Genome position (GRCh38, 1-based): chr13:51,937,627, T>A on the plus strand (A>T on the coding strand, the complement: ATP7B is on the minus strand). VCF-style: chr13-51937627-T-A. GRCh37 (hg19) VCF-style: chr13-52511763-T-A.
Other names: c.3131A>T, p.Lys1044Met (NM_001005918.3); c.3608A>T, p.Lys1203Met (NM_001406521.1, NM_001406522.1, NM_001406520.1); c.3569A>T, p.Lys1190Met (NM_001406523.1); c.3575A>T, p.Lys1192Met (NM_001406524.1); c.3557A>T, p.Lys1186Met (NM_001406525.1); c.3518A>T, p.Lys1173Met (NM_001406527.1, NM_001406528.1, NM_001330578.2); c.3512A>T, p.Lys1171Met (NM_001406530.1); c.3500A>T, p.Lys1167Met (NM_001406531.1, NM_001406532.1, NM_001330579.2); and 21 more; short protein forms K1024M, K1089M, K1155M, K1167M, K1233M, K821M, K1044M, K1087M.
Identifiers: ClinVar variation 2166273 (VCV002166273.5), dbSNP rs2547569145, ClinGen allele CA388022302.